The following is an entry in ClinVar:

NM_001005373.4(LRSAM1):c.842A>G (p.His281Arg)

Gene: LRSAM1 (leucine rich repeat and sterile alpha motif containing 1; plus strand). Cytogenetic location: 9q33.3.
Variant type: single nucleotide variant.
Coding change: c.842A>G on transcript NM_001005373.4 (MANE Select); coding-DNA position 842, A replaced by G.
Protein change: p.His281Arg; replaces histidine 281 with arginine.
Molecular consequence: missense variant. On other transcripts: non-coding transcript variant (2).
Genome position (GRCh38, 1-based): chr9:127,479,444, A>G. VCF-style: chr9-127479444-A-G. GRCh37 (hg19) VCF-style: chr9-130241723-A-G.
Other names: c.842A>G, p.His281Arg (NM_001005374.4, NM_001190723.3, NM_001384142.1 and 2 more transcripts); c.53A>G, p.His18Arg (NM_001384144.1); short protein forms H281R, H18R.
Identifiers: ClinVar variation 2742497 (VCV002742497.3), dbSNP rs2539384560, ClinGen allele CA374931200.
Genomic context (GRCh38, chr9:127,479,444, plus strand): 5'-AACAGAAGATGCTGGAGAAACTCGAGTTTGAACGGCGCCTGGAACTGGGGCAGCGGGAGC[A>G]CACCCAGCTCCTTCAGCAGAGCAGCAGCCAGAAGGATGAGATCCTTCAGACGGTCAAGGA-3'
Protein context (NP_001005373.1, residues 271-291): ERRLELGQRE[His281Arg]TQLLQQSSSQ

ClinVar aggregate classification (germline): Uncertain significance (1 of 4 stars; one submission).

Conditions:
Charcot-Marie-Tooth disease axonal type 2P. Also called: CHARCOT-MARIE-TOOTH NEUROPATHY, TYPE 2P; Charcot-Marie-Tooth Neuropathy Type 2G; CHARCOT-MARIE-TOOTH DISEASE, AXONAL, TYPE 2G; CMT 2G. Identifiers: Orphanet 300319, Orphanet 99941, MedGen C3280797, MONDO:0013753, OMIM 614436.

Allele frequency attached by ClinVar (database versions not stated): gnomAD exomes below 0.00001.
gnomAD v4.1: 2 of 1,614,188 alleles (0.00012%); highest among the groups gnomAD compares: Non-Finnish European, 0.00017%; no homozygotes.

Submission:

Labcorp Genetics (formerly Invitae), Labcorp
Classification: Uncertain significance for Charcot-Marie-Tooth disease axonal type 2P. Last evaluated: 2025-08-23. Review status: criteria provided, single submitter. Criteria: Invitae Variant Classification Sherloc (09022015). Collection method: clinical testing. Allele origin: germline.
Comment: This sequence change replaces histidine, which is basic and polar, with arginine, which is basic and polar, at codon 281 of the LRSAM1 protein (p.His281Arg). This variant is not present in population databases (gnomAD no frequency). This variant has not been reported in the literature in individuals affected with LRSAM1-related conditions. ClinVar contains an entry for this variant (Variation ID: 2742497). Invitae Evidence Modeling of protein sequence and biophysical properties (such as structural, functional, and spatial information, amino acid conservation, physicochemical variation, residue mobility, and thermodynamic stability) indicates that this missense variant is not expected to disrupt LRSAM1 protein function with a negative predictive value of 80%. In summary, the available evidence is currently insufficient to determine the role of this variant in disease. Therefore, it has been classified as a Variant of Uncertain Significance.